The following is an entry in ClinVar:

ClinVar aggregate classification (germline): Uncertain significance (1 of 4 stars; one submission).

Submission:

Ambry Genetics
Classification: Uncertain significance. Last evaluated: 2022-11-30. Review status: criteria provided, single submitter. Criteria: Ambry Variant Classification Scheme 2023. Collection method: clinical testing. Allele origin: germline.
Comment: The p.F1774I variant (also known as c.5320T>A), located in coding exon 16 of the POLQ gene, results from a T to A substitution at nucleotide position 5320. The phenylalanine at codon 1774 is replaced by isoleucine, an amino acid with highly similar properties. This amino acid position is conserved. In addition, this alteration is predicted to be tolerated by in silico analysis. Since supporting evidence is limited at this time, the clinical significance of this alteration remains unclear.

NM_199420.4(POLQ):c.5320T>A (p.Phe1774Ile)

Gene: POLQ (DNA polymerase theta; minus strand). Cytogenetic location: 3q13.33.
Variant type: single nucleotide variant.
Coding change: c.5320T>A on transcript NM_199420.4 (MANE Select); coding-DNA position 5320, T replaced by A.
Protein change: p.Phe1774Ile; replaces phenylalanine 1774 with isoleucine.
Molecular consequence: missense variant.
Genome position (GRCh38, 1-based): chr3:121,487,611, A>T on the plus strand (T>A on the coding strand, the complement: POLQ is on the minus strand). VCF-style: chr3-121487611-A-T. GRCh37 (hg19) VCF-style: chr3-121206458-A-T.
Other names: short protein forms F1774I.
Identifiers: ClinVar variation 2448923 (VCV002448923.2), dbSNP rs2546784862, ClinGen allele CA354090571.